The following is an entry in ClinVar:

ClinVar aggregate classification (germline): Pathogenic (1 of 4 stars; one submission).

Conditions:
Multiple sulfatase deficiency (MSD). Also called: Mucosulfatidosis; Multiple Sulfatase Deficiency Disease; Sulfatidosis, Juvenile, Austin Type. Identifiers: Orphanet 585, MedGen C0268263, MONDO:0010088, OMIM 272200.

Submission:

Myriad Genetics, Inc.
Classification: Pathogenic for Multiple sulfatase deficiency. Last evaluated: 2024-05-14. Review status: criteria provided, single submitter. Criteria: Myriad Autosomal Dominant, Autosomal Recessive and X-Linked Classification Criteria (2023). Collection method: clinical testing. Allele origin: unknown.
Comment: NM_182760.3(SUMF1):c.778_779ins19(I260Rfs*4) is expected to be pathogenic in the context of multiple sulfatase deficiency. This variant is predicted to lead to an abnormal or absent protein product due to the creation of a premature termination codon in SUMF1, a gene where loss-of-function variants are known to be pathogenic. Please note: this variant was assessed in the context of healthy population screening.

NM_182760.4(SUMF1):c.778_779insGATGTGTATAAGAGACAGT (p.Ile260delinsArgCysValTer)

Gene: SUMF1 (sulfatase modifying factor 1; minus strand). Cytogenetic location: 3p26.1.
Variant type: Insertion.
Coding change: c.778_779insGATGTGTATAAGAGACAGT on transcript NM_182760.4 (MANE Select); coding-DNA positions 778 to 779, GATGTGTATAAGAGACAGT inserted.
Protein change: p.Ile260delinsArgCysValTer.
Molecular consequence: nonsense.
Genome position: GRCh38 VCF-style: chr3-4417189-A-AACTGTCTCTTATACACATC. GRCh37 (hg19) VCF-style: chr3-4458873-A-AACTGTCTCTTATACACATC.
Other names: c.703_704insGATGTGTATAAGAGACAGT, p.Ile235delinsArgCysValTer (NM_001164674.2); c.778_779insGATGTGTATAAGAGACAGT, p.Ile260delinsArgCysValTer (NM_001164675.2).
Identifiers: ClinVar variation 5016339 (VCV005016339.1).